The following is an entry in ClinVar:

ClinVar aggregate classification (germline): Uncertain significance. Review status: criteria provided, multiple submitters, no conflicts (2 of 4 stars). 4 submissions from 4 submitters: Uncertain significance (4). Last evaluated 2026-07-07.

Conditions:
Lymphangiomyomatosis (LAM). Also called: Lymphangioleiomyomatosis; Lymphangioleiomyomatosis, somatic. Identifiers: Orphanet 538, MedGen C0751674, MONDO:0011705, OMIM 606690.
Isolated focal cortical dysplasia type II (FCORD2). Also called: Focal cortical dysplasia type II; CORTICAL DYSPLASIA OF TAYLOR. Identifiers: Orphanet 268994, MedGen C1846385, MONDO:0011818, OMIM 607341, HP:0032051.
Tuberous sclerosis 2 (TSC2). Identifiers: Orphanet 805, MedGen C1860707, MONDO:0013199, OMIM 613254.
Hereditary cancer-predisposing syndrome. Also called: Tumor predisposition; Hereditary Cancer Syndrome; Hereditary neoplastic syndrome; Neoplastic Syndromes, Hereditary. Identifiers: Orphanet 140162, MedGen C0027672, MeSH D009386, MONDO:0015356.

Allele frequency attached by ClinVar (database versions not stated): TOPMed below 0.00001.

Submissions (4):

Ambry Genetics
Classification: Uncertain significance for Hereditary cancer-predisposing syndrome. Last evaluated: 2026-07-07. Review status: criteria provided, single submitter. Criteria: Ambry Variant Classification Scheme 2023. Collection method: clinical testing. Allele origin: germline.
Comment: The p.K72E variant (also known as c.214A>G), located in coding exon 2 of the TSC2 gene, results from an A to G substitution at nucleotide position 214. The lysine at codon 72 is replaced by glutamic acid, an amino acid with similar properties. This amino acid position is conserved. In addition, the in silico prediction for this alteration is inconclusive. Based on the available evidence, the clinical significance of this variant remains unclear.

Quest Diagnostics Nichols Institute San Juan Capistrano
Classification: Uncertain significance. Last evaluated: 2025-07-16. Review status: criteria provided, single submitter. Criteria: Quest Diagnostics criteria. Collection method: clinical testing. Allele origin: unknown.

Fulgent Genetics
Classification: Uncertain significance for Lymphangiomyomatosis; Isolated focal cortical dysplasia type II; Tuberous sclerosis 2. Last evaluated: 2024-03-13. Review status: criteria provided, single submitter. Criteria: ACMG Guidelines, 2015. Collection method: clinical testing. Allele origin: germline.

Labcorp Genetics (formerly Invitae), Labcorp
Classification: Uncertain significance for Tuberous sclerosis 2. Last evaluated: 2023-07-17. Review status: criteria provided, single submitter. Criteria: Invitae Variant Classification Sherloc (09022015). Collection method: clinical testing. Allele origin: germline.
Comment: In summary, the available evidence is currently insufficient to determine the role of this variant in disease. Therefore, it has been classified as a Variant of Uncertain Significance. Advanced modeling of protein sequence and biophysical properties (such as structural, functional, and spatial information, amino acid conservation, physicochemical variation, residue mobility, and thermodynamic stability) performed at Invitae indicates that this missense variant is not expected to disrupt TSC2 protein function. ClinVar contains an entry for this variant (Variation ID: 1015368). This variant has not been reported in the literature in individuals affected with TSC2-related conditions. This variant is not present in population databases (gnomAD no frequency). This sequence change replaces lysine, which is basic and polar, with glutamic acid, which is acidic and polar, at codon 72 of the TSC2 protein (p.Lys72Glu).

NM_000548.5(TSC2):c.214A>G (p.Lys72Glu)

Gene: TSC2 (TSC complex subunit 2; plus strand). Cytogenetic location: 16p13.3.
Variant type: single nucleotide variant.
Coding change: c.214A>G on transcript NM_000548.5 (MANE Select); coding-DNA position 214, A replaced by G.
Protein change: p.Lys72Glu; replaces lysine 72 with glutamic acid.
Molecular consequence: missense variant. On other transcripts: 5 prime UTR variant (1).
Genome position (GRCh38, 1-based): chr16:2,050,475, A>G. VCF-style: chr16-2050475-A-G. GRCh37 (hg19) VCF-style: chr16-2100476-A-G.
Other names: c.214A>G, p.Lys72Glu (NM_001077183.3, NM_001114382.3, NM_001318827.2 and 4 more transcripts); c.67A>G, p.Lys23Glu (NM_001318829.2); c.-13A>G (NM_001318831.2); c.247A>G, p.Lys83Glu (NM_001318832.2); c.214A>G (NM_000548.3); short protein forms K23E, K72E, K83E.
Identifiers: ClinVar variation 1015368 (VCV001015368.10), dbSNP rs2084967199, ClinGen allele CA394303579.